The following is an entry in ClinVar:

ClinVar aggregate classification (germline): Uncertain significance (1 of 4 stars; one submission).

Submission:

Labcorp Genetics (formerly Invitae), Labcorp
Classification: Uncertain significance. Last evaluated: 2025-11-17. Review status: criteria provided, single submitter. Criteria: Invitae Variant Classification Sherloc (09022015). Collection method: clinical testing. Allele origin: germline.
Comment: This sequence change replaces phenylalanine, which is neutral and non-polar, with valine, which is neutral and non-polar, at codon 313 of the CACNA1F protein (p.Phe313Val). This variant is not present in population databases (gnomAD no frequency). This variant has not been reported in the literature in individuals affected with CACNA1F-related conditions. Invitae Evidence Modeling of protein sequence and biophysical properties (such as structural, functional, and spatial information, amino acid conservation, physicochemical variation, residue mobility, and thermodynamic stability) indicates that this missense variant is expected to disrupt CACNA1F protein function with a positive predictive value of 80%. In summary, the available evidence is currently insufficient to determine the role of this variant in disease. Therefore, it has been classified as a Variant of Uncertain Significance.

NM_001256789.3(CACNA1F):c.937T>G (p.Phe313Val)

Gene: CACNA1F (calcium voltage-gated channel subunit alpha1 F; minus strand). Cytogenetic location: Xp11.23.
Variant type: single nucleotide variant.
Coding change: c.937T>G on transcript NM_001256789.3 (MANE Select); coding-DNA position 937, T replaced by G.
Protein change: p.Phe313Val; replaces phenylalanine 313 with valine.
Molecular consequence: missense variant.
Genome position (GRCh38, 1-based): chrX:49,228,328, A>C on the plus strand (T>G on the coding strand, the complement: CACNA1F is on the minus strand). VCF-style: chrX-49228328-A-C. GRCh37 (hg19) VCF-style: chrX-49084790-A-C.
Other names: c.742T>G, p.Phe248Val (NM_001256790.3); c.937T>G, p.Phe313Val (NM_005183.4); short protein forms F313V, F248V.
Identifiers: ClinVar variation 4740842 (VCV004740842.1).